The following is an entry in ClinVar:

ClinVar aggregate classification (germline): Uncertain significance (1 of 4 stars; one submission).

Submission:

Ambry Genetics
Classification: Uncertain significance. Last evaluated: 2024-08-17. Review status: criteria provided, single submitter. Criteria: Ambry Variant Classification Scheme 2023. Collection method: clinical testing. Allele origin: germline.
Comment: The p.D527G variant (also known as c.1580A>G), located in coding exon 14 of the RAD54L gene, results from an A to G substitution at nucleotide position 1580. The aspartic acid at codon 527 is replaced by glycine, an amino acid with similar properties. This amino acid position is conserved. In addition, this alteration is predicted to be deleterious by in silico analysis. Based on the available evidence, the clinical significance of this variant remains unclear.

NM_003579.4(RAD54L):c.1580A>G (p.Asp527Gly)

Gene: RAD54L (RAD54 like; plus strand). Cytogenetic location: 1p34.1.
Variant type: single nucleotide variant.
Coding change: c.1580A>G on transcript NM_003579.4 (MANE Select); coding-DNA position 1580, A replaced by G.
Protein change: p.Asp527Gly; replaces aspartic acid 527 with glycine.
Molecular consequence: missense variant.
Genome position (GRCh38, 1-based): chr1:46,273,717, A>G. VCF-style: chr1-46273717-A-G. GRCh37 (hg19) VCF-style: chr1-46739389-A-G.
Other names: c.1580A>G, p.Asp527Gly (NM_001142548.2); c.1040A>G, p.Asp347Gly (NM_001370766.1); short protein forms D527G, D347G.
Identifiers: ClinVar variation 3429804 (VCV003429804.1).